The following is an entry in ClinVar:

NM_014679.5(CEP57):c.805A>G (p.Lys269Glu)

Gene: CEP57 (centrosomal protein 57; plus strand). Cytogenetic location: 11q21.
Variant type: single nucleotide variant.
Coding change: c.805A>G on transcript NM_014679.5 (MANE Select); coding-DNA position 805, A replaced by G.
Protein change: p.Lys269Glu; replaces lysine 269 with glutamic acid.
Molecular consequence: missense variant.
Genome position (GRCh38, 1-based): chr11:95,821,976, A>G. VCF-style: chr11-95821976-A-G. GRCh37 (hg19) VCF-style: chr11-95555140-A-G.
Other names: c.778A>G, p.Lys260Glu (NM_001243776.2); c.805A>G, p.Lys269Glu (NM_001243777.2); c.724A>G, p.Lys242Glu (NM_001363604.2); short protein forms K242E, K260E, K269E.
Identifiers: ClinVar variation 3490823 (VCV003490823.3).

ClinVar aggregate classification (germline): Uncertain significance. Review status: criteria provided, multiple submitters, no conflicts (2 of 4 stars). 2 submissions from 2 submitters: Uncertain significance (2). Last evaluated 2024-11-22.

Conditions:
Inborn genetic diseases. Identifiers: MedGen C0950123, MeSH D030342.
Mosaic variegated aneuploidy syndrome 2 (MVA2). Identifiers: Orphanet 1052, MedGen C3279843, MONDO:0013582, OMIM 614114.

gnomAD v4.1: 13 of 1,608,230 alleles (0.00081%); highest among the groups gnomAD compares: African/African-American, 0.0027%; no homozygotes.

Submissions (2):

Ambry Genetics
Classification: Uncertain significance for Inborn genetic diseases. Last evaluated: 2024-11-22. Review status: criteria provided, single submitter. Criteria: Ambry Variant Classification Scheme 2023. Collection method: clinical testing. Allele origin: germline.
Comment: The p.K269E variant (also known as c.805A>G), located in coding exon 7 of the CEP57 gene, results from an A to G substitution at nucleotide position 805. The lysine at codon 269 is replaced by glutamic acid, an amino acid with similar properties. This amino acid position is conserved. In addition, the in silico prediction for this alteration is inconclusive. Based on the available evidence, the clinical significance of this variant remains unclear.

Labcorp Genetics (formerly Invitae), Labcorp
Classification: Uncertain significance for Mosaic variegated aneuploidy syndrome 2. Last evaluated: 2024-04-27. Review status: criteria provided, single submitter. Criteria: Invitae Variant Classification Sherloc (09022015). Collection method: clinical testing. Allele origin: germline.
Comment: This sequence change replaces lysine, which is basic and polar, with glutamic acid, which is acidic and polar, at codon 269 of the CEP57 protein (p.Lys269Glu). This variant is present in population databases (no rsID available, gnomAD 0.02%). This variant has not been reported in the literature in individuals affected with CEP57-related conditions. An algorithm developed to predict the effect of missense changes on protein structure and function (PolyPhen-2) suggests that this variant is likely to be tolerated. Algorithms developed to predict the effect of sequence changes on RNA splicing suggest that this variant may disrupt the consensus splice site. In summary, the available evidence is currently insufficient to determine the role of this variant in disease. Therefore, it has been classified as a Variant of Uncertain Significance.